The following is an entry in ClinVar:

ClinVar aggregate classification (germline): Uncertain significance (1 of 4 stars; one submission).

Conditions:
Atrioventricular septal defect 4 (AVSD4). Identifiers: MedGen C3280781, MONDO:0013747, OMIM 614430.

Submission:

Labcorp Genetics (formerly Invitae), Labcorp
Classification: Uncertain significance for Atrioventricular septal defect 4. Last evaluated: 2024-10-09. Review status: criteria provided, single submitter. Criteria: Invitae Variant Classification Sherloc (09022015). Collection method: clinical testing. Allele origin: germline.
Comment: This sequence change replaces proline, which is neutral and non-polar, with alanine, which is neutral and non-polar, at codon 363 of the GATA4 protein (p.Pro363Ala). This variant is not present in population databases (gnomAD no frequency). This variant has not been reported in the literature in individuals affected with GATA4-related conditions. Invitae Evidence Modeling of protein sequence and biophysical properties (such as structural, functional, and spatial information, amino acid conservation, physicochemical variation, residue mobility, and thermodynamic stability) indicates that this missense variant is not expected to disrupt GATA4 protein function with a negative predictive value of 95%. In summary, the available evidence is currently insufficient to determine the role of this variant in disease. Therefore, it has been classified as a Variant of Uncertain Significance.

NM_001308093.3(GATA4):c.1090C>G (p.Pro364Ala)

Gene: GATA4 (GATA binding protein 4). Cytogenetic location: 8p23.1.
Variant type: single nucleotide variant.
Coding change: c.1090C>G on transcript NM_001308093.3 (MANE Select); coding-DNA position 1090, C replaced by G.
Protein change: p.Pro364Ala; replaces proline 364 with alanine.
Molecular consequence: missense variant.
Genome position (GRCh38, 1-based): chr8:11,757,024, C>G. VCF-style: chr8-11757024-C-G. GRCh37 (hg19) VCF-style: chr8-11614533-C-G.
Other names: c.469C>G, p.Pro157Ala (NM_001374273.1, NM_001308094.2); c.343C>G, p.Pro115Ala (NM_001374274.1); c.1087C>G, p.Pro363Ala (NM_002052.5); short protein forms P115A, P364A, P157A, P363A.
Identifiers: ClinVar variation 3693916 (VCV003693916.2).